The following is an entry in ClinVar:

ClinVar aggregate classification (germline): Uncertain significance (1 of 4 stars; one submission).

Conditions:
Hypercholesterolemia, autosomal dominant, type B (FHCL2). Also called: APOB-Related Familial Hypercholesterolemia, Autosomal Dominant; Familial Hypercholesterolemia Type B; APOLIPOPROTEIN B-100, FAMILIAL DEFECTIVE; APOLIPOPROTEIN B-100, FAMILIAL LIGAND-DEFECTIVE; HYPERCHOLESTEROLEMIA, FAMILIAL, DUE TO LIGAND-DEFECTIVE APOLIPOPROTEIN B; Hyperlipoproteinemia Type IIb. Identifiers: MedGen C1704417, MONDO:0007751, OMIM 144010.
Familial hypobetalipoproteinemia 1. Also called: Hypobetalipoproteinemia, normotriglyceridemic; Acanthocytosis with hypobetalipoproteinemia; APOB-Related Familial Hypobetalipoproteinemia. Identifiers: MedGen C4551990, MONDO:0014252, OMIM 615558.

gnomAD v4.1: 1 of 1,614,064 alleles (0.000062%); highest among the groups gnomAD compares: Non-Finnish European, 0.000085%; no homozygotes.

Submission:

Labcorp Genetics (formerly Invitae), Labcorp
Classification: Uncertain significance for Familial hypobetalipoproteinemia 1; Hypercholesterolemia, autosomal dominant, type B. Last evaluated: 2023-03-07. Review status: criteria provided, single submitter. Criteria: Invitae Variant Classification Sherloc (09022015). Collection method: clinical testing. Allele origin: germline.
Comment: Advanced modeling of protein sequence and biophysical properties (such as structural, functional, and spatial information, amino acid conservation, physicochemical variation, residue mobility, and thermodynamic stability) performed at Invitae indicates that this missense variant is not expected to disrupt APOB protein function. In summary, the available evidence is currently insufficient to determine the role of this variant in disease. Therefore, it has been classified as a Variant of Uncertain Significance. This variant has not been reported in the literature in individuals affected with APOB-related conditions. This variant is not present in population databases (gnomAD no frequency). This sequence change replaces alanine, which is neutral and non-polar, with proline, which is neutral and non-polar, at codon 2791 of the APOB protein (p.Ala2791Pro).

NM_000384.3(APOB):c.8371G>C (p.Ala2791Pro)

Gene: APOB (apolipoprotein B; minus strand). Cytogenetic location: 2p24.1.
Variant type: single nucleotide variant.
Coding change: c.8371G>C on transcript NM_000384.3 (MANE Select); coding-DNA position 8371, G replaced by C.
Protein change: p.Ala2791Pro; replaces alanine 2791 with proline.
Molecular consequence: missense variant.
Genome position (GRCh38, 1-based): chr2:21,008,497, C>G on the plus strand (G>C on the coding strand, the complement: APOB is on the minus strand). VCF-style: chr2-21008497-C-G. GRCh37 (hg19) VCF-style: chr2-21231369-C-G.
Other names: short protein forms A2791P.
Identifiers: ClinVar variation 2926282 (VCV002926282.3), dbSNP rs1364259558, ClinGen allele CA345994373.